The following is an entry in ClinVar:

NM_003978.5(PSTPIP1):c.469G>A (p.Ala157Thr)

Gene: PSTPIP1 (proline-serine-threonine phosphatase interacting protein 1; plus strand). Cytogenetic location: 15q24.3.
Variant type: single nucleotide variant.
Coding change: c.469G>A on transcript NM_003978.5 (MANE Select); coding-DNA position 469, G replaced by A.
Protein change: p.Ala157Thr; replaces alanine 157 with threonine.
Molecular consequence: missense variant. On other transcripts: non-coding transcript variant (1).
Genome position (GRCh38, 1-based): chr15:77,028,605, G>A. VCF-style: chr15-77028605-G-A. GRCh37 (hg19) VCF-style: chr15-77320946-G-A.
Other names: c.469G>A, p.Ala157Thr (NM_001321135.2); c.442G>A, p.Ala148Thr (NM_001321136.2); c.664G>A, p.Ala222Thr (NM_001321137.1); short protein forms A148T, A157T, A222T.
Identifiers: ClinVar variation 1059409 (VCV001059409.9), dbSNP rs2076342688, ClinGen allele CA393519847.

ClinVar aggregate classification (germline): Uncertain significance (1 of 4 stars; one submission).

Conditions:
Pyogenic arthritis-pyoderma gangrenosum-acne syndrome (PAPA). Also called: FAMILIAL RECURRENT ARTHRITIS; PAPA SYNDROME. Identifiers: Orphanet 69126, MedGen C1858361, MONDO:0011462, OMIM 604416.

gnomAD v4.1: 1 of 1,598,966 alleles (0.000063%); highest among the groups gnomAD compares: African/African-American, 0.0013%; no homozygotes.

Submission:

Labcorp Genetics (formerly Invitae), Labcorp
Classification: Uncertain significance for Pyogenic arthritis-pyoderma gangrenosum-acne syndrome. Last evaluated: 2021-01-15. Review status: criteria provided, single submitter. Criteria: Invitae Variant Classification Sherloc (09022015). Collection method: clinical testing. Allele origin: germline.
Comment: This sequence change replaces alanine with threonine at codon 157 of the PSTPIP1 protein (p.Ala157Thr). The alanine residue is weakly conserved and there is a small physicochemical difference between alanine and threonine. This variant is not present in population databases (ExAC no frequency). This variant has not been reported in the literature in individuals with PSTPIP1-related conditions. Algorithms developed to predict the effect of missense changes on protein structure and function output the following: SIFT: "Tolerated"; PolyPhen-2: "Benign"; Align-GVGD: "Class C0". The threonine amino acid residue is found in multiple mammalian species, suggesting that this missense change does not adversely affect protein function. These predictions have not been confirmed by published functional studies and their clinical significance is uncertain. In summary, the available evidence is currently insufficient to determine the role of this variant in disease. Therefore, it has been classified as a Variant of Uncertain Significance.